The following is an entry in ClinVar:

ClinVar aggregate classification (germline): Likely benign (1 of 4 stars; one submission).

Submission:

CeGaT Center for Human Genetics Tuebingen
Classification: Likely benign. Last evaluated: 2024-02-01. Review status: criteria provided, single submitter. Criteria: CeGaT Center For Human Genetics Tuebingen Variant Classification Criteria Version 2. Collection method: clinical testing. Allele origin: germline. Affected: yes. Observed: 1 variant allele.
Comment: LAS1L: PM2:Supporting, BP4, BP7

NM_031206.7(LAS1L):c.1989A>G (p.Ala663=)

Gene: LAS1L (LAS1 like ribosome biogenesis factor; minus strand). Cytogenetic location: Xq12.
Variant type: single nucleotide variant.
Coding change: c.1989A>G on transcript NM_031206.7 (MANE Select); coding-DNA position 1989, A replaced by G.
Protein change: p.Ala663=; no amino-acid change (alanine 663 retained).
Molecular consequence: synonymous variant. On other transcripts: non-coding transcript variant (1).
Genome position (GRCh38, 1-based): chrX:65,514,912, T>C on the plus strand (A>G on the coding strand, the complement: LAS1L is on the minus strand). VCF-style: chrX-65514912-T-C. GRCh37 (hg19) VCF-style: chrX-64734792-T-C.
Other names: c.1938A>G, p.Ala646= (NM_001170649.2); c.1812A>G, p.Ala604= (NM_001170650.2); c.1986A>G, p.Ala662= (NM_001375328.1); c.1032A>G, p.Ala344= (NM_001375332.1); c.1935A>G, p.Ala645= (NM_001375333.1).
Identifiers: ClinVar variation 3027344 (VCV003027344.22), dbSNP rs1256655490, ClinGen allele CA516832538.
Genomic context (GRCh38, chrX:65,514,912, plus strand): 5'-CTGCTCTAGCACAGGCTGGTCCAAAAGATACATGGTGTCATAATTCTCCAGCATGAGCTC[T>C]GCTGGGTCCTCGGTCTGACCTGGCATTCGGCCTAGGGGAAATGTGTCCCATCGCACGTCT-3'
Protein context (NP_112483.1, residues 653-673): GRMPGQTEDP[Ala663=]ELMLENYDTM